The following is an entry in ClinVar:

NM_001378454.1(ALMS1):c.3891C>A (p.Tyr1297Ter)

Gene: ALMS1 (ALMS1 centrosome and basal body associated protein; plus strand). Cytogenetic location: 2p13.1.
Variant type: single nucleotide variant.
Coding change: c.3891C>A on transcript NM_001378454.1 (MANE Select); coding-DNA position 3891, C replaced by A.
Protein change: p.Tyr1297Ter; replaces tyrosine 1297 with a stop codon.
Molecular consequence: nonsense.
Genome position (GRCh38, 1-based): chr2:73,450,418, C>A. VCF-style: chr2-73450418-C-A. GRCh37 (hg19) VCF-style: chr2-73677545-C-A.
Other names: c.3894C>A, p.Tyr1298Ter (NM_015120.4); short protein forms Y1297*, Y1298*.
Identifiers: ClinVar variation 1378586 (VCV001378586.8), dbSNP rs2103780557, ClinGen allele CA347277016.

ClinVar aggregate classification (germline): Pathogenic/Likely pathogenic. Review status: criteria provided, multiple submitters, no conflicts (2 of 4 stars). 3 submissions from 3 submitters: Pathogenic (1); Likely pathogenic (2). Last evaluated 2025-10-13.

Conditions:
ALMS1-related disorder. Also called: ALMS1-related condition.
Alstrom syndrome (ALMS). Identifiers: Orphanet 64, MedGen C0268425, MONDO:0008763, OMIM 203800.

gnomAD v4.1: 5 of 1,613,500 alleles (0.00031%); highest among the groups gnomAD compares: Non-Finnish European, 0.00042%; no homozygotes.

Submissions (3):

Labcorp Genetics (formerly Invitae), Labcorp
Classification: Pathogenic for Alstrom syndrome. Last evaluated: 2025-10-13. Review status: criteria provided, single submitter. Criteria: Invitae Variant Classification Sherloc (09022015). Collection method: clinical testing. Allele origin: germline.
Comment: This sequence change creates a premature translational stop signal (p.Tyr1298*) in the ALMS1 gene. It is expected to result in an absent or disrupted protein product. Loss-of-function variants in ALMS1 are known to be pathogenic (PMID: 17594715). This variant is not present in population databases (gnomAD no frequency). This variant has not been reported in the literature in individuals affected with ALMS1-related conditions. ClinVar contains an entry for this variant (Variation ID: 1378586). For these reasons, this variant has been classified as Pathogenic.

Blueprint Genetics
Classification: Likely pathogenic for ALMS1-related disorders. Last evaluated: 2024-11-06. Review status: criteria provided, single submitter. Criteria: ACMG Guidelines, 2015. Collection method: clinical testing. Allele origin: germline. Affected: yes. Observed: 4 variant alleles.

Fulgent Genetics
Classification: Likely pathogenic for Alstrom syndrome. Last evaluated: 2021-09-20. Review status: criteria provided, single submitter. Criteria: ACMG Guidelines, 2015. Collection method: clinical testing. Allele origin: unknown.

Literature cited by the submitters: PubMed 17594715 (cited by Labcorp Genetics (formerly Invitae), Labcorp).